The following is an entry in ClinVar:

NM_000256.3(MYBPC3):c.271G>C (p.Asp91His)

Gene: MYBPC3 (myosin binding protein C3; minus strand). Cytogenetic location: 11p11.2.
Variant type: single nucleotide variant.
Coding change: c.271G>C on transcript NM_000256.3 (MANE Select); coding-DNA position 271, G replaced by C.
Protein change: p.Asp91His; replaces aspartic acid 91 with histidine.
Molecular consequence: missense variant.
Genome position (GRCh38, 1-based): chr11:47,351,260, C>G on the plus strand (G>C on the coding strand, the complement: MYBPC3 is on the minus strand). VCF-style: chr11-47351260-C-G. GRCh37 (hg19) VCF-style: chr11-47372811-C-G.
Other names: short protein forms D91H.
Identifiers: ClinVar variation 3069438 (VCV003069438.1), dbSNP rs778851720, ClinGen allele CA380341492.

ClinVar aggregate classification (germline): Uncertain significance (1 of 4 stars; one submission).

Conditions:
Hypertrophic cardiomyopathy. Also called: HYPERTROPHIC MYOCARDIOPATHY. Identifiers: Orphanet 217569, MedGen C0007194, MeSH D002312, MONDO:0005045, HP:0001639.

Submission:

All of Us Research Program, National Institutes of Health
Classification: Uncertain significance for Hypertrophic cardiomyopathy. Last evaluated: 2023-03-04. Review status: criteria provided, single submitter. Criteria: ACMG Guidelines, 2015. Collection method: clinical testing. Allele origin: germline. Inheritance: Autosomal dominant inheritance. Observed: 1 variant allele, 1 heterozygote.
Comment: This study involves interpretation of variants in research participants for the purpose of population health screening. Participant phenotype was not available at the time of variant classification. Additional details can be found in publication PMID: 35346344, PMCID: PMC8962531